The following is an entry in ClinVar:

ClinVar aggregate classification (germline): Uncertain significance (1 of 4 stars; one submission).

Conditions:
Hereditary cancer-predisposing syndrome. Also called: Neoplastic Syndromes, Hereditary; Tumor predisposition; Hereditary Cancer Syndrome; Hereditary neoplastic syndrome. Identifiers: Orphanet 140162, MedGen C0027672, MeSH D009386, MONDO:0015356.

Submission:

Ambry Genetics
Classification: Uncertain significance for Hereditary cancer-predisposing syndrome. Last evaluated: 2024-11-08. Review status: criteria provided, single submitter. Criteria: Ambry Variant Classification Scheme 2023. Collection method: clinical testing. Allele origin: germline.
Comment: The c.2069_2106del38 variant, located in coding exon 16 of the POLD1 gene, results from a deletion of 38 nucleotides at nucleotide positions 2069 to 2106, causing a translational frameshift with a predicted alternate stop codon (p.Q690Lfs*36). This alteration is expected to result in loss of function by premature protein truncation or nonsense-mediated mRNA decay. However, loss of function of POLD1 has not been established as a mechanism of disease. Based on the available evidence, the clinical significance of this alteration remains unclear.

NM_002691.4(POLD1):c.2069_2106del (p.Gln690fs)

Gene: POLD1 (DNA polymerase delta 1, catalytic subunit; plus strand). Cytogenetic location: 19q13.33.
Variant type: Deletion.
Coding change: c.2069_2106del on transcript NM_002691.4 (MANE Select); coding-DNA positions 2069 to 2106, 38 bases deleted.
Protein change: p.Gln690fs; shifts the reading frame from glutamine 690.
Molecular consequence: frameshift variant. On other transcripts: non-coding transcript variant (1).
Genome position (GRCh38, 1-based): chr19:50,409,581-50,409,618, 38 bases deleted; deleting any 38 consecutive bases within chr19:50,409,576-50,409,618 gives the same sequence; the c. name uses the placement nearest the transcript's 3' end. GRCh37 (hg19): chr19:50,912,838-50,912,875.
Other names: c.2069_2106del, p.Gln690fs (NM_001256849.1); c.2147_2184del, p.Gln716fs (NM_001308632.1); short protein forms Q690fs, Q716fs.
Identifiers: ClinVar variation 3421981 (VCV003421981.1).
Genomic context (GRCh38, chr19:50,409,575, plus strand): 5'-GCAGGGCCAAGGCCGAGCTGGCCAAGGAGACAGACCCCCTCCGGCGCCAGGTCCTGGATG[GACGGCAGCTGGCGCTGAAGGTGAGCGCCAACTCCGTAT>G]ACGGCTTCACTGGCGCCCAGGTGGGCAAGTTGCCGTGCCTGGAGATCTCACAGGTGGGCA-3'